The following is an entry in ClinVar:

NM_000179.3(MSH6):c.1459G>A (p.Glu487Lys)

Gene: MSH6 (mutS homolog 6; plus strand). Cytogenetic location: 2p16.3.
Variant type: single nucleotide variant.
Coding change: c.1459G>A on transcript NM_000179.3 (MANE Select); coding-DNA position 1459, G replaced by A.
Protein change: p.Glu487Lys; replaces glutamic acid 487 with lysine.
Molecular consequence: missense variant.
Genome position (GRCh38, 1-based): chr2:47,799,442, G>A. VCF-style: chr2-47799442-G-A. GRCh37 (hg19) VCF-style: chr2-48026581-G-A.
Other names: c.1069G>A, p.Glu357Lys (NM_001281492.2); c.553G>A, p.Glu185Lys (NM_001281493.2, NM_001281494.2); short protein forms E357K, E185K, E487K.
Identifiers: ClinVar variation 1041898 (VCV001041898.12), dbSNP rs1469561474, ClinGen allele CA346745761.

ClinVar aggregate classification (germline): Uncertain significance. Review status: criteria provided, multiple submitters, no conflicts (2 of 4 stars). 2 submissions from 2 submitters: Uncertain significance (2). Last evaluated 2025-04-21.

Conditions:
Hereditary nonpolyposis colorectal neoplasms. Identifiers: MedGen C0009405, MeSH D003123.
Hereditary cancer-predisposing syndrome. Also called: Hereditary Cancer Syndrome; Tumor predisposition; Hereditary neoplastic syndrome; Neoplastic Syndromes, Hereditary. Identifiers: Orphanet 140162, MedGen C0027672, MeSH D009386, MONDO:0015356.

Allele frequency attached by ClinVar (database versions not stated): gnomAD exomes below 0.00001.

Submissions (2):

Labcorp Genetics (formerly Invitae), Labcorp
Classification: Uncertain significance for Hereditary nonpolyposis colorectal neoplasms. Last evaluated: 2025-04-21. Review status: criteria provided, single submitter. Criteria: Invitae Variant Classification Sherloc (09022015). Collection method: clinical testing. Allele origin: germline.
Comment: This sequence change replaces glutamic acid, which is acidic and polar, with lysine, which is basic and polar, at codon 487 of the MSH6 protein (p.Glu487Lys). This variant is present in population databases (no rsID available, gnomAD 0.006%). This variant has not been reported in the literature in individuals affected with MSH6-related conditions. ClinVar contains an entry for this variant (Variation ID: 1041898). Invitae Evidence Modeling incorporating data from in vitro experimental studies (internal data) did not meet the statistical confidence thresholds required to predict the impact of this variant on MSH6 function. In summary, the available evidence is currently insufficient to determine the role of this variant in disease. Therefore, it has been classified as a Variant of Uncertain Significance.

Ambry Genetics
Classification: Uncertain significance for Hereditary cancer-predisposing syndrome. Last evaluated: 2024-06-06. Review status: criteria provided, single submitter. Criteria: Ambry Variant Classification Scheme 2023. Collection method: clinical testing. Allele origin: germline.
Comment: The p.E487K variant (also known as c.1459G>A), located in coding exon 4 of the MSH6 gene, results from a G to A substitution at nucleotide position 1459. The glutamic acid at codon 487 is replaced by lysine, an amino acid with similar properties. This amino acid position is highly conserved in available vertebrate species. In addition, this alteration is predicted to be deleterious by in silico analysis. Since supporting evidence is limited at this time, the clinical significance of this alteration remains unclear.